The following is an entry in ClinVar:

ClinVar aggregate classification (germline): Uncertain significance (1 of 4 stars; one submission).

Conditions:
Holoprosencephaly 9 (HPE9). Also called: HOLOPROSENCEPHALY WITH MICROPHTHALMIA AND FIRST BRANCHIAL ARCH ANOMALIES; PITUITARY ANOMALIES WITH HOLOPROSENCEPHALY-LIKE FEATURES. Identifiers: Orphanet 2162, MedGen C1835819, MONDO:0012563, OMIM 610829.
Postaxial polydactyly-anterior pituitary anomalies-facial dysmorphism syndrome. Also called: Culler-Jones syndrome. Identifiers: Orphanet 420584, MedGen C4014479, MONDO:0014369, OMIM 615849.

Allele frequency attached by ClinVar (database versions not stated): TOPMed below 0.00001; gnomAD exomes 0.00001.
gnomAD v4.1: 4 of 1,613,414 alleles (0.00025%); highest among the groups gnomAD compares: Admixed American, 0.005%; no homozygotes.

Submission:

Labcorp Genetics (formerly Invitae), Labcorp
Classification: Uncertain significance for Postaxial polydactyly-anterior pituitary anomalies-facial dysmorphism syndrome; Holoprosencephaly 9. Last evaluated: 2022-10-24. Review status: criteria provided, single submitter. Criteria: Invitae Variant Classification Sherloc (09022015). Collection method: clinical testing. Allele origin: germline.
Comment: In summary, the available evidence is currently insufficient to determine the role of this variant in disease. Therefore, it has been classified as a Variant of Uncertain Significance. Advanced modeling of protein sequence and biophysical properties (such as structural, functional, and spatial information, amino acid conservation, physicochemical variation, residue mobility, and thermodynamic stability) performed at Invitae indicates that this missense variant is not expected to disrupt GLI2 protein function. This variant has not been reported in the literature in individuals affected with GLI2-related conditions. This variant is not present in population databases (gnomAD no frequency). This sequence change replaces glutamine, which is neutral and polar, with histidine, which is basic and polar, at codon 1249 of the GLI2 protein (p.Gln1249His).

NM_001374353.1(GLI2):c.3696A>C (p.Gln1232His)

Gene: GLI2 (GLI family zinc finger 2; plus strand). Cytogenetic location: 2q14.2.
Variant type: single nucleotide variant.
Coding change: c.3696A>C on transcript NM_001374353.1 (MANE Select); coding-DNA position 3696, A replaced by C.
Protein change: p.Gln1232His; replaces glutamine 1232 with histidine.
Molecular consequence: missense variant.
Genome position (GRCh38, 1-based): chr2:120,989,661, A>C. VCF-style: chr2-120989661-A-C. GRCh37 (hg19) VCF-style: chr2-121747237-A-C.
Other names: c.3747A>C, p.Gln1249His (NM_001371271.1, NM_005270.5); c.3321A>C, p.Gln1107His (NM_001374354.1); short protein forms Q1232H, Q1249H, Q1107H.
Identifiers: ClinVar variation 2043324 (VCV002043324.4), dbSNP rs1683189797, ClinGen allele CA348175834.
Genomic context (GRCh38, chr2:120,989,661, plus strand): 5'-GGCAGGCAGCCAGTGTCCTGGCATGACTACCACTATGAGCCCCCATGCCTGCTATGGCCA[A>C]GTCCACCCCCAGCTGAGCCCCAGCACCATCAGTGGGGCCCTCAACCAGTTCCCCCAATCC-3'
Protein context (NP_001361282.1, residues 1222-1242): TTMSPHACYG[Gln1232His]VHPQLSPSTI